The following is an entry in ClinVar:

NM_001079802.2(FKTN):c.667A>G (p.Thr223Ala)

Gene: FKTN (fukutin; plus strand). Cytogenetic location: 9q31.2.
Variant type: single nucleotide variant.
Coding change: c.667A>G on transcript NM_001079802.2 (MANE Select); coding-DNA position 667, A replaced by G.
Protein change: p.Thr223Ala; replaces threonine 223 with alanine.
Molecular consequence: missense variant. On other transcripts: non-coding transcript variant (2).
Genome position (GRCh38, 1-based): chr9:105,607,838, A>G. VCF-style: chr9-105607838-A-G. GRCh37 (hg19) VCF-style: chr9-108370119-A-G.
Other names: c.667A>G, p.Thr223Ala (NM_001198963.2, NM_001351496.2, NM_001351498.2 and 1 more transcripts); c.598A>G, p.Thr200Ala (NM_001351497.2); c.271A>G, p.Thr91Ala (NM_001351499.2, NM_001351500.2, NM_001351501.2 and 1 more transcripts); short protein forms T91A, T200A, T223A.
Identifiers: ClinVar variation 2164218 (VCV002164218.4), dbSNP rs2539491332, ClinGen allele CA374332499.

ClinVar aggregate classification (germline): Uncertain significance (1 of 4 stars; one submission).

Conditions:
Walker-Warburg congenital muscular dystrophy. Also called: Muscular dystrophy-dystroglycanopathy, type A; Walker-Warburg syndrome. Identifiers: Orphanet 899, MedGen C0265221, MONDO:0000171.

Allele frequency attached by ClinVar (database versions not stated): gnomAD exomes below 0.00001.
gnomAD v4.1: 2 of 1,612,956 alleles (0.00012%); highest among the groups gnomAD compares: Non-Finnish European, 0.00017%; no homozygotes.

Submission:

Labcorp Genetics (formerly Invitae), Labcorp
Classification: Uncertain significance for Walker-Warburg congenital muscular dystrophy. Last evaluated: 2022-05-30. Review status: criteria provided, single submitter. Criteria: Invitae Variant Classification Sherloc (09022015). Collection method: clinical testing. Allele origin: germline.
Comment: This variant has not been reported in the literature in individuals affected with FKTN-related conditions. This sequence change replaces threonine, which is neutral and polar, with alanine, which is neutral and non-polar, at codon 223 of the FKTN protein (p.Thr223Ala). This variant is not present in population databases (gnomAD no frequency). Algorithms developed to predict the effect of missense changes on protein structure and function (SIFT, PolyPhen-2, Align-GVGD) all suggest that this variant is likely to be tolerated. In summary, the available evidence is currently insufficient to determine the role of this variant in disease. Therefore, it has been classified as a Variant of Uncertain Significance.